The following is an entry in ClinVar:

NM_023036.6(DNAI2):c.884G>A (p.Arg295Gln)

Gene: DNAI2 (dynein axonemal intermediate chain 2; plus strand). Cytogenetic location: 17q25.1.
Variant type: single nucleotide variant.
Coding change: c.884G>A on transcript NM_023036.6 (MANE Select); coding-DNA position 884, G replaced by A.
Protein change: p.Arg295Gln; replaces arginine 295 with glutamine.
Molecular consequence: missense variant. On other transcripts: non-coding transcript variant (1).
Genome position (GRCh38, 1-based): chr17:74,301,065, G>A. VCF-style: chr17-74301065-G-A. GRCh37 (hg19) VCF-style: chr17-72297204-G-A.
Other names: c.884G>A, p.Arg295Gln (NM_001172810.3, NM_001353167.2); short protein forms R295Q.
Identifiers: ClinVar variation 1764875 (VCV001764875.2), dbSNP rs1461755550, ClinGen allele CA400909073.

ClinVar aggregate classification (germline): Uncertain significance (1 of 4 stars; one submission).

Conditions:
Primary ciliary dyskinesia. Also called: Ciliary dyskinesia. Identifiers: Orphanet 244, MedGen C0008780, MONDO:0016575, HP:0012265.

Allele frequency attached by ClinVar (database versions not stated): gnomAD 0.00001.
gnomAD v4.1: 9 of 1,613,894 alleles (0.00056%); highest among the groups gnomAD compares: African/African-American, 0.0013%; no homozygotes.

Submission:

Ambry Genetics
Classification: Uncertain significance for Primary ciliary dyskinesia. Last evaluated: 2020-08-14. Review status: criteria provided, single submitter. Criteria: Ambry Variant Classification Scheme 2023. Collection method: clinical testing. Allele origin: germline.
Comment: The p.R295Q variant (also known as c.884G>A), located in coding exon 7 of the DNAI2 gene, results from a G to A substitution at nucleotide position 884. The arginine at codon 295 is replaced by glutamine, an amino acid with highly similar properties. This amino acid position is highly conserved in available vertebrate species. In addition, the in silico prediction for this alteration is inconclusive. Since supporting evidence is limited at this time, the clinical significance of this alteration remains unclear.